The following is an entry in ClinVar:

ClinVar aggregate classification (germline): Uncertain significance (1 of 4 stars; one submission).

Submission:

Women's Health and Genetics/Laboratory Corporation of America, LabCorp
Classification: Uncertain significance. Last evaluated: 2024-02-01. Review status: criteria provided, single submitter. Criteria: LabCorp Variant Classification Summary - May 2015. Collection method: clinical testing. Allele origin: germline.
Comment: Variant summary: The variant involves the deletion of exons 5-7 in the MARS1 gene. A presumed nomenclature of c.(414+1_415-1)_(770+1_771-1)del has been designated for the purposes of this classification. This Copy Number Variant (CNV) is expected to alter the reading frame and predicted to result in a truncation or absence of the encoded protein due to nonsense mediated decay (NMD). However, available evidence is not sufficient to establish whether loss-of-function variants in MARS cause disease. The variant was absent in 21682 control chromosomes (gnomAD, Structural variants dataset). To our knowledge, no occurrence of c.(414+1_415-1)_(770+1_771-1)del in individuals affected with MARS1-Related Disorders and no experimental evidence demonstrating its impact on protein function have been reported. ClinVar contains an entry for this variant (Variation ID: 2425257). Based on the evidence outlined above, the variant was classified as uncertain significance.

NC_000012.11:g.(57883342_57883678)_(57884428_57891939)del

Gene: MARS1 (methionyl-tRNA synthetase 1; plus strand). Cytogenetic location: 12q13.3.
Variant type: Deletion.
Identifiers: ClinVar variation 3069038 (VCV003069038.1).